The following is an entry in ClinVar:

NM_001041.4(SI):c.1438C>A (p.Pro480Thr)

Gene: SI (sucrase-isomaltase; minus strand). Cytogenetic location: 3q26.1.
Variant type: single nucleotide variant.
Coding change: c.1438C>A on transcript NM_001041.4 (MANE Select); coding-DNA position 1438, C replaced by A.
Protein change: p.Pro480Thr; replaces proline 480 with threonine.
Molecular consequence: missense variant.
Genome position (GRCh38, 1-based): chr3:165,055,268, G>T on the plus strand (C>A on the coding strand, the complement: SI is on the minus strand). VCF-style: chr3-165055268-G-T. GRCh37 (hg19) VCF-style: chr3-164773056-G-T.
Other names: short protein forms P480T.
Identifiers: ClinVar variation 1308036 (VCV001308036.3), dbSNP rs752986538, ClinGen allele CA2691061.

ClinVar aggregate classification (germline): Uncertain significance. Review status: criteria provided, multiple submitters, no conflicts (2 of 4 stars). 2 submissions from 2 submitters: Uncertain significance (2). Last evaluated 2024-03-04.

Conditions:
Sucrase-isomaltase deficiency (CSID). Also called: Deficiency of isomaltase; SI DEFICIENCY; Congenital sucrose isomaltose malabsorption; Sucrose isomaltose enzyme deficiency. Identifiers: Orphanet 35122, MedGen C1283620, MONDO:0009114, OMIM 222900.

Allele frequency attached by ClinVar (database versions not stated): gnomAD exomes 0.00004 and 0.00006; ExAC 0.00005; TOPMed 0.00005; gnomAD 0.00007 and 0.00008.
gnomAD v4.1: 66 of 1,610,986 alleles (0.0041%); highest among the groups gnomAD compares: Non-Finnish European, 0.0056%; no homozygotes.

Submissions (2):

Fulgent Genetics
Classification: Uncertain significance for Sucrase-isomaltase deficiency. Last evaluated: 2024-03-04. Review status: criteria provided, single submitter. Criteria: ACMG Guidelines, 2015. Collection method: clinical testing. Allele origin: germline.

GeneDx
Classification: Uncertain significance. Last evaluated: 2019-08-28. Review status: criteria provided, single submitter. Criteria: GeneDx Variant Classification Process June 2021. Collection method: clinical testing. Allele origin: germline. Affected: yes.
Comment: In silico analysis, which includes protein predictors and evolutionary conservation, supports a deleterious effect; Has not been previously published as pathogenic or benign to our knowledge